The following is an entry in ClinVar:

ClinVar aggregate classification (germline): Uncertain significance (1 of 4 stars; one submission).

Conditions:
Hajdu-Cheney syndrome (HJCYS). Also called: SERPENTINE FIBULA-POLYCYSTIC KIDNEY SYNDROME; ACROOSTEOLYSIS WITH OSTEOPOROSIS AND CHANGES IN SKULL AND MANDIBLE; Acroosteolysis dominant type. Identifiers: Orphanet 955, MedGen C0917715, MONDO:0007057, OMIM 102500.

Allele frequency attached by ClinVar (database versions not stated): gnomAD exomes below 0.00001.
gnomAD v4.1: 1 of 1,613,774 alleles (0.000062%); highest among the groups gnomAD compares: Non-Finnish European, 0.000085%; no homozygotes.

Submission:

Labcorp Genetics (formerly Invitae), Labcorp
Classification: Uncertain significance for Hajdu-Cheney syndrome. Last evaluated: 2025-09-02. Review status: criteria provided, single submitter. Criteria: Invitae Variant Classification Sherloc (09022015). Collection method: clinical testing. Allele origin: germline.
Comment: This sequence change replaces alanine, which is neutral and non-polar, with valine, which is neutral and non-polar, at codon 2352 of the NOTCH2 protein (p.Ala2352Val). This variant is not present in population databases (gnomAD no frequency). This variant has not been reported in the literature in individuals affected with NOTCH2-related conditions. ClinVar contains an entry for this variant (Variation ID: 1967066). Invitae Evidence Modeling of protein sequence and biophysical properties (such as structural, functional, and spatial information, amino acid conservation, physicochemical variation, residue mobility, and thermodynamic stability) indicates that this missense variant is not expected to disrupt NOTCH2 protein function with a negative predictive value of 95%. In summary, the available evidence is currently insufficient to determine the role of this variant in disease. Therefore, it has been classified as a Variant of Uncertain Significance.

NM_024408.4(NOTCH2):c.7055C>T (p.Ala2352Val)

Gene: NOTCH2 (notch receptor 2; minus strand). Cytogenetic location: 1p12.
Variant type: single nucleotide variant.
Coding change: c.7055C>T on transcript NM_024408.4 (MANE Select); coding-DNA position 7055, C replaced by T.
Protein change: p.Ala2352Val; replaces alanine 2352 with valine.
Molecular consequence: missense variant.
Genome position (GRCh38, 1-based): chr1:119,915,667, G>A on the plus strand (C>T on the coding strand, the complement: NOTCH2 is on the minus strand). VCF-style: chr1-119915667-G-A. GRCh37 (hg19) VCF-style: chr1-120458290-G-A.
Other names: short protein forms A2352V.
Identifiers: ClinVar variation 1967066 (VCV001967066.5), dbSNP rs2526103907, ClinGen allele CA341873837.